The following is an entry in ClinVar:

NM_006258.4(PRKG1):c.184A>C (p.Lys62Gln)

Gene: PRKG1 (protein kinase cGMP-dependent 1; plus strand). Cytogenetic location: 10q11.23.
Variant type: single nucleotide variant.
Coding change: c.184A>C on transcript NM_006258.4 (MANE Select); coding-DNA position 184, A replaced by C.
Protein change: p.Lys62Gln; replaces lysine 62 with glutamine.
Molecular consequence: missense variant. On other transcripts: intron variant (1).
Genome position (GRCh38, 1-based): chr10:51,074,774, A>C. VCF-style: chr10-51074774-A-C. GRCh37 (hg19) VCF-style: chr10-52834534-A-C.
Other names: c.184A>C, p.Lys62Gln (NM_001374782.1); c.267-78390A>C (NM_001098512.3); short protein forms K62Q.
Identifiers: ClinVar variation 3425442 (VCV003425442.1).

ClinVar aggregate classification (germline): Uncertain significance (1 of 4 stars; one submission).

Conditions:
Familial thoracic aortic aneurysm and aortic dissection (TAAD). Also called: Thoracic aortic aneurysms and dissections. Identifiers: Orphanet 91387, MedGen C4707243, MONDO:0019625.

Submission:

Ambry Genetics
Classification: Uncertain significance for Familial thoracic aortic aneurysm and aortic dissection. Last evaluated: 2024-10-15. Review status: criteria provided, single submitter. Criteria: Ambry Variant Classification Scheme 2023. Collection method: clinical testing. Allele origin: germline.
Comment: The p.K62Q variant (also known as c.184A>C), located in coding exon 1 of the PRKG1 gene, results from an A to C substitution at nucleotide position 184. The lysine at codon 62 is replaced by glutamine, an amino acid with similar properties. This amino acid position is conserved. In addition, this alteration is predicted to be tolerated by in silico analysis. Based on the available evidence, the clinical significance of this variant remains unclear.